The following is an entry in ClinVar:

NM_002655.3(PLAG1):c.1373dup (p.Gln459fs)

Gene: PLAG1 (PLAG1 zinc finger; minus strand). Cytogenetic location: 8q12.1.
Variant type: Duplication.
Coding change: c.1373dup on transcript NM_002655.3 (MANE Select); coding-DNA position 1373, one base duplicated (C; older notation c.1373dupC).
Protein change: p.Gln459fs; shifts the reading frame from glutamine 459.
Molecular consequence: frameshift variant.
Genome position (GRCh38, 1-based): chr8:56,166,373, G duplicated on the plus strand (C on the coding strand, the reverse complement: PLAG1 is on the minus strand); the first of 6 consecutive G bases (chr8:56,166,373-56,166,378); duplicating any one gives the same sequence. VCF-style (leftmost placement, unchanged base first): chr8-56166372-T-TG. GRCh37 (hg19) VCF-style: chr8-57078931-T-TG.
Other names: c.1373dup, p.Gln459fs (NM_001114634.2); c.1127dup, p.Gln377fs (NM_001114635.2); short protein forms Q377fs, Q459fs.
Identifiers: ClinVar variation 4074687 (VCV004074687.2).

ClinVar aggregate classification (germline): Likely pathogenic (1 of 4 stars; one submission).

Submission:

GeneDx
Classification: Likely pathogenic. Last evaluated: 2025-10-15. Review status: criteria provided, single submitter. Criteria: GeneDx Variant Classification Process June 2021. Collection method: clinical testing. Allele origin: germline.
Comment: Frameshift variant predicted to result in abnormal protein length as the last 42 amino acid(s) are replaced with 73 different amino acid(s); Not observed at significant frequency in large population cohorts (gnomAD); Has not been previously published as pathogenic or benign to our knowledge